The following is an entry in ClinVar:

ClinVar aggregate classification (germline): Uncertain significance (1 of 4 stars; one submission).

Conditions:
Leukodystrophy, hypomyelinating, 8, with or without oligodontia and/or hypogonadotropic hypogonadism. Also called: Endosteal sclerosis-cerebellar hypoplasia syndrome; Hypomyelinating leukodystrophy 8 with or without oligodontia and-or hypogonadotropic hypogonadism; LEUKODYSTROPHY, HYPOMYELINATING, 8, WITH HYPODONTIA AND HYPOGONADOTROPIC HYPOGONADISM. Identifiers: Orphanet 85186, Orphanet 88637, MedGen C3280644, MONDO:0013722, OMIM 614381.

Allele frequency attached by ClinVar (database versions not stated): gnomAD exomes below 0.00001; ExAC 0.00001; gnomAD 0.00001; TOPMed 0.00001.
gnomAD v4.1: 3 of 1,607,064 alleles (0.00019%); highest among the groups gnomAD compares: Non-Finnish European, 0.00026%; no homozygotes.

Submission:

Broad Center for Mendelian Genomics, Broad Institute of MIT and Harvard
Classification: Uncertain significance for Leukodystrophy, hypomyelinating, 8, with or without oligodontia and/or hypogonadotropic hypogonadism. Last evaluated: 2023-05-02. Review status: criteria provided, single submitter. Criteria: ACMG Guidelines, 2015. Collection method: curation. Allele origin: germline. Inheritance: Autosomal recessive inheritance.
Comment: Trio exome analysis revealed that this variant was in trans with a likely pathogenic variant (ClinVar Variation ID: 419962). The c.1627+7A>G variant in POLR3B has not been previously reported in individuals with 4H leukodystrophy but has been identified in 0.003% (2/68030) of European (non-Finnish) chromosomes by the Genome Aggregation Database (gnomAD; dbSNP ID: rs778827957). Although this variant has been seen in the general population in a heterozygous state, its frequency is low enough to be consistent with a recessive carrier frequency. This variant is located in the 5' splice region. Computational tools do suggest an impact to splicing. However, this information is not predictive enough to determine pathogenicity. In summary, while there is some suspicion for a pathogenic role, the clinical significance of this variant is uncertain. ACMG/AMP Criteria applied: PM2_Supporting, PM3, PP3 (Richards 2015).

NM_018082.6(POLR3B):c.1627+7A>G

Gene: POLR3B (RNA polymerase III subunit B; plus strand). Cytogenetic location: 12q23.3.
Variant type: single nucleotide variant.
Coding change: c.1627+7A>G on transcript NM_018082.6 (MANE Select); 7 bases into the intron after coding-DNA position 1627, A replaced by G.
Molecular consequence: intron variant.
Genome position (GRCh38, 1-based): chr12:106,432,487, A>G. VCF-style: chr12-106432487-A-G. GRCh37 (hg19) VCF-style: chr12-106826265-A-G.
Other names: NM_001160708.2:c.1453+7A>G; c.1453+7A>G (NM_001160708.2).
Identifiers: ClinVar variation 2500938 (VCV002500938.1), dbSNP rs778827957, ClinGen allele CA6761973.
Genomic context (GRCh38, chr12:106,432,487, plus strand): 5'-TATTATGTGGGGAAGAGCTCTCTTACCCAAATGTGTTTCTTGTCTTTCTTAATGGTGGGT[A>G]TATTATAGAGACATGTTGGTCCTAGATAGTCTGTGAAGAGGGGGAGGGAATCCATTATTA-3'